The following is an entry in ClinVar:

NM_006182.4(DDR2):c.109T>A (p.Ser37Thr)

Gene: DDR2 (discoidin domain receptor tyrosine kinase 2; plus strand). Cytogenetic location: 1q23.3.
Variant type: single nucleotide variant.
Coding change: c.109T>A on transcript NM_006182.4 (MANE Select); coding-DNA position 109, T replaced by A.
Protein change: p.Ser37Thr; replaces serine 37 with threonine.
Molecular consequence: missense variant.
Genome position (GRCh38, 1-based): chr1:162,753,121, T>A. VCF-style: chr1-162753121-T-A. GRCh37 (hg19) VCF-style: chr1-162722911-T-A.
Other names: c.109T>A, p.Ser37Thr (NM_001014796.3, NM_001354982.2, NM_001354983.2); short protein forms S37T.
Identifiers: ClinVar variation 1507954 (VCV001507954.6), dbSNP rs757544947, ClinGen allele CA1217173.

ClinVar aggregate classification (germline): Uncertain significance (1 of 4 stars; one submission).

Allele frequency attached by ClinVar (database versions not stated): TOPMed 0.00001; ExAC 0.00002; gnomAD exomes below 0.00001 and 0.00001; gnomAD 0.00001.
gnomAD v4.1: 4 of 1,613,596 alleles (0.00025%); highest among the groups gnomAD compares: East Asian, 0.0067%; no homozygotes.

Submission:

Labcorp Genetics (formerly Invitae), Labcorp
Classification: Uncertain significance. Last evaluated: 2022-08-16. Review status: criteria provided, single submitter. Criteria: Invitae Variant Classification Sherloc (09022015). Collection method: clinical testing. Allele origin: germline.
Comment: In summary, the available evidence is currently insufficient to determine the role of this variant in disease. Therefore, it has been classified as a Variant of Uncertain Significance. This sequence change replaces serine, which is neutral and polar, with threonine, which is neutral and polar, at codon 37 of the DDR2 protein (p.Ser37Thr). This variant is present in population databases (rs757544947, gnomAD 0.02%). This variant has not been reported in the literature in individuals affected with DDR2-related conditions. ClinVar contains an entry for this variant (Variation ID: 1507954). Algorithms developed to predict the effect of missense changes on protein structure and function are either unavailable or do not agree on the potential impact of this missense change (SIFT: "Deleterious"; PolyPhen-2: "Benign"; Align-GVGD: "Class C55").